The following is an entry in ClinVar:

ClinVar aggregate classification (germline): Pathogenic/Likely pathogenic. Review status: criteria provided, multiple submitters, no conflicts (2 of 4 stars). 2 submissions from 2 submitters: Pathogenic (1); Likely pathogenic (1). Last evaluated 2023-04-01.

Conditions:
Malan overgrowth syndrome (MALNS). Also called: Sotos syndrome 2; MALAN SYNDROME; NFIX-Related Malan Syndrome. Identifiers: Orphanet 420179, MedGen C3553660, MONDO:0013885, OMIM 614753.

Submissions (2):

CeGaT Center for Human Genetics Tuebingen
Classification: Pathogenic. Last evaluated: 2023-04-01. Review status: criteria provided, single submitter. Criteria: CeGaT Center For Human Genetics Tuebingen Variant Classification Criteria Version 2. Collection method: clinical testing. Allele origin: germline. Affected: yes. Observed: 1 variant allele.
Comment: NFIX: PS2, PM2, PM5, PP2, PP3

Institute of Human Genetics Munich, TUM University Hospital
Classification: Likely pathogenic for Malan overgrowth syndrome. Last evaluated: 2020-03-24. Review status: criteria provided, single submitter. Criteria: Classification criteria August 2017. Collection method: clinical testing. Allele origin: germline. Inheritance: Autosomal dominant inheritance. Affected: yes. Observed: 1 heterozygote.

NM_001365902.3(NFIX):c.113G>A (p.Arg38His)

Gene: NFIX (nuclear factor I X; plus strand). Cytogenetic location: 19p13.13.
Variant type: single nucleotide variant.
Coding change: c.113G>A on transcript NM_001365902.3 (MANE Select); coding-DNA position 113, G replaced by A.
Protein change: p.Arg38His; replaces arginine 38 with histidine.
Molecular consequence: missense variant. On other transcripts: 5 prime UTR variant (1).
Genome position (GRCh38, 1-based): chr19:13,025,106, G>A. VCF-style: chr19-13025106-G-A. GRCh37 (hg19) VCF-style: chr19-13135920-G-A.
Other names: c.137G>A, p.Arg46His (NM_001271043.2); c.89G>A, p.Arg30His (NM_001271044.3, NM_001378404.1); c.113G>A, p.Arg38His (NM_001365982.2, NM_002501.4); c.-29G>A (NM_001365983.2); c.110G>A, p.Arg37His (NM_001365984.2, NM_001365985.2); c.161G>A, p.Arg54His (NM_001378405.1); short protein forms R30H, R37H, R38H, R46H, R54H.
Identifiers: ClinVar variation 976670 (VCV000976670.30), dbSNP rs2013223468, ClinGen allele CA404312960.